The following is an entry in ClinVar:

NM_005883.3(APC2):c.3208T>G (p.Cys1070Gly)

Gene: APC2 (APC regulator of Wnt signaling pathway 2; plus strand). Cytogenetic location: 19p13.3.
Variant type: single nucleotide variant.
Coding change: c.3208T>G on transcript NM_005883.3 (MANE Select); coding-DNA position 3208, T replaced by G.
Protein change: p.Cys1070Gly; replaces cysteine 1070 with glycine.
Molecular consequence: missense variant.
Genome position (GRCh38, 1-based): chr19:1,466,509, T>G. VCF-style: chr19-1466509-T-G. GRCh37 (hg19) VCF-style: chr19-1466508-T-G.
Other names: c.3205T>G, p.Cys1069Gly (NM_001351273.1); short protein forms C1069G, C1070G.
Identifiers: ClinVar variation 1716205 (VCV001716205.5), dbSNP rs762346618, ClinGen allele CA403028919.
Genomic context (GRCh38, chr19:1,466,509, plus strand): 5'-GTGGCCAGCAAGGCACTGCAGAAACTGGCGGCGCAAGAGGGGCCACTCTCGCTGTCCCGA[T>G]GCAGCTCCCTTTCCTCGCTGTCCTCGGCCGGCCGCCCAGGCCCCAGCGAGGGTGGTGACC-3'
Protein context (NP_005874.1, residues 1060-1080): AQEGPLSLSR[Cys1070Gly]SSLSSLSSAG

ClinVar aggregate classification (germline): Uncertain significance (1 of 4 stars; one submission).

Submission:

Labcorp Genetics (formerly Invitae), Labcorp
Classification: Uncertain significance. Last evaluated: 2022-09-08. Review status: criteria provided, single submitter. Criteria: Invitae Variant Classification Sherloc (09022015). Collection method: clinical testing. Allele origin: germline.
Comment: This variant has not been reported in the literature in individuals affected with APC2-related conditions. In summary, the available evidence is currently insufficient to determine the role of this variant in disease. Therefore, it has been classified as a Variant of Uncertain Significance. Advanced modeling of protein sequence and biophysical properties (such as structural, functional, and spatial information, amino acid conservation, physicochemical variation, residue mobility, and thermodynamic stability) performed at Invitae indicates that this missense variant is not expected to disrupt APC2 protein function. This variant is not present in population databases (gnomAD no frequency). This sequence change replaces cysteine, which is neutral and slightly polar, with glycine, which is neutral and non-polar, at codon 1070 of the APC2 protein (p.Cys1070Gly).